The following is an entry in ClinVar:

ClinVar aggregate classification (germline): Conflicting classifications of pathogenicity. Review status: criteria provided, conflicting classifications (1 of 4 stars). 3 submissions from 3 submitters: Uncertain significance (2); Likely benign (1). Last evaluated 2024-05-09.

Conditions:
Inborn genetic diseases. Identifiers: MedGen C0950123, MeSH D030342.

Allele frequency attached by ClinVar (database versions not stated): gnomAD 0.00009; TOPMed 0.00009; ESP Exome Variant Server 0.00016.
gnomAD v4.1: 30 of 1,613,844 alleles (0.0019%); highest among the groups gnomAD compares: African/African-American, 0.029%; no homozygotes.

Submissions (3):

GeneDx
Classification: Uncertain significance. Last evaluated: 2024-05-09. Review status: criteria provided, single submitter. Criteria: GeneDx Variant Classification Process June 2021. Collection method: clinical testing. Allele origin: germline. Affected: yes.
Comment: In silico analysis indicates that this missense variant does not alter protein structure/function; Has not been previously published as pathogenic or benign to our knowledge

Ambry Genetics
Classification: Likely benign for Inborn genetic diseases. Last evaluated: 2022-04-13. Review status: criteria provided, single submitter. Criteria: Ambry Variant Classification Scheme 2023. Collection method: clinical testing. Allele origin: germline.

Eurofins Ntd Llc (ga)
Classification: Uncertain significance. Last evaluated: 2017-12-20. Review status: criteria provided, single submitter. Criteria: EGL Classification Definitions 2015. Collection method: clinical testing. Allele origin: germline. Observed: 1 variant allele, 1 heterozygote.

NM_001378609.3(OTOGL):c.5728A>T (p.Thr1910Ser)

Gene: OTOGL (otogelin like; plus strand). Cytogenetic location: 12q21.31.
Variant type: single nucleotide variant.
Coding change: c.5728A>T on transcript NM_001378609.3 (MANE Select); coding-DNA position 5728, A replaced by T.
Protein change: p.Thr1910Ser; replaces threonine 1910 with serine.
Molecular consequence: missense variant.
Genome position (GRCh38, 1-based): chr12:80,355,870, A>T. VCF-style: chr12-80355870-A-T. GRCh37 (hg19) VCF-style: chr12-80749650-A-T.
Other names: c.5593A>T, p.Thr1865Ser (NM_001368062.3); c.5728A>T, p.Thr1910Ser (NM_001378610.3, NM_173591.7); c.5701A>T (NM_173591.3); short protein forms T1865S, T1910S.
Identifiers: ClinVar variation 595209 (VCV000595209.8), dbSNP rs370806881, ClinGen allele CA6701790.